The following is an entry in ClinVar:

NM_198578.4(LRRK2):c.3901G>A (p.Glu1301Lys)

Gene: LRRK2 (leucine rich repeat kinase 2; plus strand). Cytogenetic location: 12q12.
Variant type: single nucleotide variant.
Coding change: c.3901G>A on transcript NM_198578.4 (MANE Select); coding-DNA position 3901, G replaced by A.
Protein change: p.Glu1301Lys; replaces glutamic acid 1301 with lysine.
Molecular consequence: missense variant.
Genome position (GRCh38, 1-based): chr12:40,305,908, G>A. VCF-style: chr12-40305908-G-A. GRCh37 (hg19) VCF-style: chr12-40699710-G-A.
Other names: short protein forms E1301K.
Identifiers: ClinVar variation 1015545 (VCV001015545.8), dbSNP rs1944805160, ClinGen allele CA384417296.

ClinVar aggregate classification (germline): Uncertain significance (1 of 4 stars; one submission).

Conditions:
Autosomal dominant Parkinson disease 8. Also called: LRRK2-Related Parkinson Disease; Parkinson disease 8; Parkinson disease 8, susceptibility to. Identifiers: Orphanet 411602, MedGen C1846862, MONDO:0011764, OMIM 607060.

Allele frequency attached by ClinVar (database versions not stated): gnomAD exomes below 0.00001.
gnomAD v4.1: 1 of 1,613,096 alleles (0.000062%); highest among the groups gnomAD compares: South Asian, 0.0011%; no homozygotes.

Submission:

Labcorp Genetics (formerly Invitae), Labcorp
Classification: Uncertain significance for Autosomal dominant Parkinson disease 8. Last evaluated: 2020-05-05. Review status: criteria provided, single submitter. Criteria: Invitae Variant Classification Sherloc (09022015). Collection method: clinical testing. Allele origin: germline.
Comment: This sequence change replaces glutamic acid with lysine at codon 1301 of the LRRK2 protein (p.Glu1301Lys). The glutamic acid residue is weakly conserved and there is a small physicochemical difference between glutamic acid and lysine. This variant is not present in population databases (ExAC no frequency). This variant has not been reported in the literature in individuals with LRRK2-related conditions. Algorithms developed to predict the effect of missense changes on protein structure and function (SIFT, PolyPhen-2, Align-GVGD) all suggest that this variant is likely to be tolerated, but these predictions have not been confirmed by published functional studies and their clinical significance is uncertain. In summary, the available evidence is currently insufficient to determine the role of this variant in disease. Therefore, it has been classified as a Variant of Uncertain Significance.